The following is an entry in ClinVar:

ClinVar aggregate classification (germline): Uncertain significance (1 of 4 stars; one submission).

Conditions:
Familial intrahepatic cholestasis. Identifiers: Orphanet 284385, MedGen CN296401, MONDO:0017290.

gnomAD v4.1: 1 of 1,596,582 alleles (0.000063%); highest among the groups gnomAD compares: Non-Finnish European, 0.000085%; no homozygotes.

Submission:

Genomenon, Inc
Classification: Uncertain significance for Familial intrahepatic cholestasis. Last evaluated: 2026-04-14. Review status: criteria provided, single submitter. Criteria: Genomenon Sequence Variant Interpretation Standards - Updated. Collection method: curation. Allele origin: germline. Affected: no.
Comment: ATP8B1 p.Val1202Leu (c.3604G>C) is a missense variant that changes the amino acid at residue 1202 from Valine to Leucine. This variant has been reported in the published literature (PMID:36046230). It is absent or not present at a significant frequency in gnomAD. In silico models predict that this variant is not damaging. In conclusion, we classify ATP8B1 p.Val1202Leu (c.3604G>C) as a variant of uncertain significance.

Literature cited by the submitters: PubMed 36046230.

NM_001374385.1(ATP8B1):c.3604G>C (p.Val1202Leu)

Genes: ATP8B1 (ATPase phospholipid transporting 8B1; minus strand), ATP8B1-AS1 (ATP8B1 antisense RNA 1; plus strand). Cytogenetic location: 18q21.31.
Variant type: single nucleotide variant.
Coding change: c.3604G>C on transcript NM_001374385.1 (MANE Select); coding-DNA position 3604, G replaced by C.
Protein change: p.Val1202Leu; replaces valine 1202 with leucine.
Molecular consequence: missense variant.
Genome position (GRCh38, 1-based): chr18:57,648,640, C>G on the plus strand (G>C on the coding strand, the complement: ATP8B1 is on the minus strand). VCF-style: chr18-57648640-C-G. GRCh37 (hg19) VCF-style: chr18-55315872-C-G.
Other names: c.3454G>C, p.Val1152Leu (NM_001374386.1); c.3604G>C, p.Val1202Leu (NM_005603.6); short protein forms V1152L, V1202L.
Identifiers: ClinVar variation 4846303 (VCV004846303.1).